The following is an entry in ClinVar:

ClinVar aggregate classification (germline): Pathogenic (1 of 4 stars; one submission).

Submission:

Labcorp Genetics (formerly Invitae), Labcorp
Classification: Pathogenic. Last evaluated: 2024-03-14. Review status: criteria provided, single submitter. Criteria: Invitae Variant Classification Sherloc (09022015). Collection method: clinical testing. Allele origin: germline.
Comment: This sequence change creates a premature translational stop signal (p.Gly50Alafs*119) in the HPS6 gene. While this is not anticipated to result in nonsense mediated decay, it is expected to disrupt the last 726 amino acid(s) of the HPS6 protein. This variant is not present in population databases (gnomAD no frequency). This variant has not been reported in the literature in individuals affected with HPS6-related conditions. This variant disrupts a region of the HPS6 protein in which other variant(s) (p.Arg607*) have been determined to be pathogenic (PMID: 27225848). This suggests that this is a clinically significant region of the protein, and that variants that disrupt it are likely to be disease-causing. For these reasons, this variant has been classified as Pathogenic.

Literature cited by the submitters: PubMed 27225848.

NM_024747.6(HPS6):c.149_168del (p.Gly50fs)

Genes: HPS6 (HPS6 biogenesis of lysosomal organelles complex 2 subunit 3; plus strand), LOC130004578 (ATAC-STARR-seq lymphoblastoid silent region 2738; plus strand). Cytogenetic location: 10q24.32.
Variant type: Deletion.
Coding change: c.149_168del on transcript NM_024747.6 (MANE Select); coding-DNA positions 149 to 168, 20 bases deleted (GGGCGGTAGCCCCACAGCTG).
Protein change: p.Gly50fs; shifts the reading frame from glycine 50.
Molecular consequence: frameshift variant.
Genome position (GRCh38, 1-based): chr10:102,065,623-102,065,642, GGGCGGTAGCCCCACAGCTG deleted; deleting any 20 consecutive bases within chr10:102,065,620-102,065,642 gives the same sequence; the c. name uses the placement nearest the transcript's 3' end. VCF-style (leftmost placement, unchanged base first): chr10-102065619-CCTGGGGCGGTAGCCCCACAG-C. GRCh37 (hg19) VCF-style: chr10-103825376-CCTGGGGCGGTAGCCCCACAG-C.
Other names: c.149_168del20, p.Gly50Alafs (NM_024747.5); short protein forms G50fs.
Identifiers: ClinVar variation 3643816 (VCV003643816.3).